The following is an entry in ClinVar:

ClinVar aggregate classification (germline): Uncertain significance. Review status: criteria provided, multiple submitters, no conflicts (2 of 4 stars). 3 submissions from 3 submitters: Uncertain significance (3). Last evaluated 2024-10-17.

gnomAD v4.1: 62 of 1,613,870 alleles (0.0038%); highest among the groups gnomAD compares: Non-Finnish European, 0.0052%; no homozygotes.

Submissions (3):

Blueprint Genetics
Classification: Uncertain significance. Last evaluated: 2024-10-17. Review status: criteria provided, single submitter. Criteria: ACMG Guidelines, 2015. Collection method: clinical testing. Allele origin: germline.

Ambry Genetics
Classification: Uncertain significance. Last evaluated: 2024-08-05. Review status: criteria provided, single submitter. Criteria: Ambry Variant Classification Scheme 2023. Collection method: clinical testing. Allele origin: germline.

Labcorp Genetics (formerly Invitae), Labcorp
Classification: Uncertain significance. Last evaluated: 2024-02-14. Review status: criteria provided, single submitter. Criteria: Invitae Variant Classification Sherloc (09022015). Collection method: clinical testing. Allele origin: germline.
Comment: This sequence change replaces proline, which is neutral and non-polar, with threonine, which is neutral and polar, at codon 32 of the SP7 protein (p.Pro32Thr). This variant is present in population databases (rs776047830, gnomAD 0.003%). This variant has not been reported in the literature in individuals affected with SP7-related conditions. An algorithm developed to predict the effect of missense changes on protein structure and function (PolyPhen-2) suggests that this variant is likely to be tolerated. In summary, the available evidence is currently insufficient to determine the role of this variant in disease. Therefore, it has been classified as a Variant of Uncertain Significance.

NM_001173467.3(SP7):c.94C>A (p.Pro32Thr)

Gene: SP7 (Sp7 transcription factor; minus strand). Cytogenetic location: 12q13.13.
Variant type: single nucleotide variant.
Coding change: c.94C>A on transcript NM_001173467.3 (MANE Select); coding-DNA position 94, C replaced by A.
Protein change: p.Pro32Thr; replaces proline 32 with threonine.
Molecular consequence: missense variant.
Genome position (GRCh38, 1-based): chr12:53,329,348, G>T on the plus strand (C>A on the coding strand, the complement: SP7 is on the minus strand). VCF-style: chr12-53329348-G-T. GRCh37 (hg19) VCF-style: chr12-53723132-G-T.
Other names: c.40C>A, p.Pro14Thr (NM_001300837.2); c.94C>A, p.Pro32Thr (NM_152860.2); short protein forms P14T, P32T.
Identifiers: ClinVar variation 3447629 (VCV003447629.4).